The following is an entry in ClinVar:

ClinVar aggregate classification (germline): Pathogenic (1 of 4 stars; one submission).

Conditions:
Hereditary cancer-predisposing syndrome. Also called: Tumor predisposition; Hereditary neoplastic syndrome; Hereditary Cancer Syndrome; Neoplastic Syndromes, Hereditary. Identifiers: Orphanet 140162, MedGen C0027672, MeSH D009386, MONDO:0015356.

Submission:

Ambry Genetics
Classification: Pathogenic for Hereditary cancer-predisposing syndrome. Last evaluated: 2025-04-01. Review status: criteria provided, single submitter. Criteria: Ambry Variant Classification Scheme 2023. Collection method: clinical testing. Allele origin: germline.
Comment: The c.3753_3780dup28 variant, located in coding exon 25 of the ATM gene, results from a duplication of TTATAAGGTTTTGATTCCACATCTGGTG at nucleotide position 3753, causing a translational frameshift with a predicted alternate stop codon (p.I1261Lfs*2). This variant is considered to be rare based on population cohorts in the Genome Aggregation Database (gnomAD). This alteration is expected to result in loss of function by premature protein truncation or nonsense-mediated mRNA decay. As such, this alteration is interpreted as a disease-causing mutation.

NM_000051.4(ATM):c.3753_3780dup (p.Ile1261delinsLeuTer)

Gene: ATM (ATM serine/threonine kinase; plus strand). Cytogenetic location: 11q22.3.
Variant type: Duplication.
Coding change: c.3753_3780dup on transcript NM_000051.4 (MANE Select); coding-DNA positions 3753 to 3780, 28 bases duplicated (TTATAAGGTTTTGATTCCACATCTGGTG).
Protein change: p.Ile1261delinsLeuTer.
Molecular consequence: nonsense. On other transcripts: frameshift variant (1).
Genome position (GRCh38, 1-based): chr11:108,284,233-108,284,260, TTATAAGGTTTTGATTCCACATCTGGTG duplicated; duplicating any 28 consecutive bases within chr11:108,284,231-108,284,260 gives the same sequence; the c. name uses the placement nearest the transcript's 3' end. VCF-style (leftmost placement, unchanged base first): chr11-108284230-T-TTGTTATAAGGTTTTGATTCCACATCTGG. GRCh37 (hg19) VCF-style: chr11-108154957-T-TTGTTATAAGGTTTTGATTCCACATCTGG.
Other names: c.3753_3780dupTTATAAGGTTTTGATTCCACATCTGGTG (NM_000051.3); c.3753_3780dup, p.Ile1261delinsLeuTer (NM_001351834.2).
Identifiers: ClinVar variation 3965754 (VCV003965754.1).
Genomic context (GRCh38, chr11:108,284,230, plus strand): 5'-AAAATTTTACTTGGAAAAGTTATATATAACCTGTATTTTAAATTTTTCTATTTTTAGATC[T>TTGTTATAAGGTTTTGATTCCACATCTGG]TGTTATAAGGTTTTGATTCCACATCTGGTGATTAGAAGTCATTTTGATGAGGTGAAGTCC-3'